The following is an entry in ClinVar:

ClinVar aggregate classification (germline): Likely benign. Review status: criteria provided, multiple submitters, no conflicts (2 of 4 stars). 3 submissions from 3 submitters: Likely benign (3). Last evaluated 2025-04-13.

Conditions:
Hereditary cancer-predisposing syndrome. Also called: Tumor predisposition; Hereditary neoplastic syndrome; Neoplastic Syndromes, Hereditary; Hereditary Cancer Syndrome. Identifiers: Orphanet 140162, MedGen C0027672, MeSH D009386, MONDO:0015356.
Familial meningioma. Also called: Meningioma, familial, susceptibility to. Identifiers: Orphanet 263662, MedGen C3551915, MONDO:0011789, OMIM 607174.

Allele frequency attached by ClinVar (database versions not stated): gnomAD exomes below 0.00001.
gnomAD v4.1: 1 of 1,612,586 alleles (0.000062%); highest among the groups gnomAD compares: Non-Finnish European, 0.000085%; no homozygotes.

Submissions (3):

Labcorp Genetics (formerly Invitae), Labcorp
Classification: Likely benign for Familial meningioma. Last evaluated: 2025-04-13. Review status: criteria provided, single submitter. Criteria: Invitae Variant Classification Sherloc (09022015). Collection method: clinical testing. Allele origin: germline.

CeGaT Center for Human Genetics Tuebingen
Classification: Likely benign. Last evaluated: 2022-10-01. Review status: criteria provided, single submitter. Criteria: CeGaT Center For Human Genetics Tuebingen Variant Classification Criteria Version 2. Collection method: clinical testing. Allele origin: germline. Affected: yes. Observed: 1 variant allele.
Comment: SMARCE1: PM2:Supporting, BP4, BP7

Ambry Genetics
Classification: Likely benign for Hereditary cancer-predisposing syndrome. Last evaluated: 2019-10-28. Review status: criteria provided, single submitter. Criteria: Ambry Variant Classification Scheme 2023. Collection method: clinical testing. Allele origin: germline.

NM_003079.5(SMARCE1):c.324T>C (p.Thr108=)

Gene: SMARCE1 (SWI/SNF related BAF chromatin remodeling complex subunit E1; minus strand). Cytogenetic location: 17q21.2.
Variant type: single nucleotide variant.
Coding change: c.324T>C on transcript NM_003079.5 (MANE Select); coding-DNA position 324, T replaced by C.
Protein change: p.Thr108=; no amino-acid change (threonine 108 retained).
Molecular consequence: synonymous variant.
Genome position (GRCh38, 1-based): chr17:40,636,440, A>G on the plus strand (T>C on the coding strand, the complement: SMARCE1 is on the minus strand). VCF-style: chr17-40636440-A-G. GRCh37 (hg19) VCF-style: chr17-38792692-A-G.
Identifiers: ClinVar variation 823297 (VCV000823297.31), dbSNP rs1597746306, ClinGen allele CA499964445.
Genomic context (GRCh38, chr17:40,636,440, plus strand): 5'-GAGCCCCTACCCTACCTTTTCTGCTTCGTATTCGTTTAAATATTCTTGTTTTTCTTCATC[A>G]GTGAGATCTCGCCACATGCCACCAATAATCTTGCCAATCTCCCACAACTTTAGGTCAGGG-3'
Protein context (NP_003070.3, residues 98-118): KIIGGMWRDL[Thr108=]DEEKQEYLNE